The following is an entry in ClinVar:

NM_000051.4(ATM):c.4024G>A (p.Glu1342Lys)

Gene: ATM (ATM serine/threonine kinase; plus strand). Cytogenetic location: 11q22.3.
Variant type: single nucleotide variant.
Coding change: c.4024G>A on transcript NM_000051.4 (MANE Select); coding-DNA position 4024, G replaced by A.
Protein change: p.Glu1342Lys; replaces glutamic acid 1342 with lysine.
Molecular consequence: missense variant.
Genome position (GRCh38, 1-based): chr11:108,287,630, G>A. VCF-style: chr11-108287630-G-A. GRCh37 (hg19) VCF-style: chr11-108158357-G-A.
Other names: c.4024G>A, p.Glu1342Lys (NM_001351834.2); short protein forms E1342K.
Identifiers: ClinVar variation 490554 (VCV000490554.6), dbSNP rs1555095899, ClinGen allele CA382527658.
Genomic context (GRCh38, chr11:108,287,630, plus strand): 5'-TAAATATATTTTAATTTTGTGCCCTTGCAGATTGATCACTTATTCATTAGTAATTTACCA[G>A]AGATTGTGGTGGAGTTATTGATGACGTTACATGAGCCAGCAAATTCTAGTGCCAGTCAGA-3'
Protein context (NP_000042.3, residues 1332-1352): IDHLFISNLP[Glu1342Lys]IVVELLMTLH

ClinVar aggregate classification (germline): Uncertain significance (1 of 4 stars; one submission).

Conditions:
Hereditary cancer-predisposing syndrome. Also called: Hereditary Cancer Syndrome; Neoplastic Syndromes, Hereditary; Tumor predisposition; Hereditary neoplastic syndrome. Identifiers: Orphanet 140162, MedGen C0027672, MeSH D009386, MONDO:0015356.

Submission:

Color Diagnostics, LLC DBA Color Health
Classification: Uncertain significance for Hereditary cancer-predisposing syndrome. Last evaluated: 2023-12-05. Review status: criteria provided, single submitter. Criteria: ACMG Guidelines, 2015. Collection method: clinical testing. Allele origin: germline.
Comment: This missense variant replaces glutamic acid with lysine at codon 1342 of the ATM protein. Computational prediction suggests that this variant may not impact protein structure and function (internally defined REVEL score threshold <= 0.5, PMID: 27666373). To our knowledge, functional studies have not been reported for this variant. This variant has not been reported in individuals affected with ATM-related disorders in the literature. This variant has not been identified in the general population by the Genome Aggregation Database (gnomAD). The available evidence is insufficient to determine the role of this variant in disease conclusively. Therefore, this variant is classified as a Variant of Uncertain Significance.